The following is an entry in ClinVar:

NM_015909.4(NBAS):c.6929C>T (p.Pro2310Leu)

Gene: NBAS (NBAS subunit of NRZ tethering complex; minus strand). Cytogenetic location: 2p24.3.
Variant type: single nucleotide variant.
Coding change: c.6929C>T on transcript NM_015909.4 (MANE Select); coding-DNA position 6929, C replaced by T.
Protein change: p.Pro2310Leu; replaces proline 2310 with leucine.
Molecular consequence: missense variant. On other transcripts: non-coding transcript variant (1).
Genome position (GRCh38, 1-based): chr2:15,167,235, G>A on the plus strand (C>T on the coding strand, the complement: NBAS is on the minus strand). VCF-style: chr2-15167235-G-A. GRCh37 (hg19) VCF-style: chr2-15307359-G-A.
Other names: c.6929C>T (NM_015909.2); short protein forms P2310L.
Identifiers: ClinVar variation 2190403 (VCV002190403.4), dbSNP rs775953115, ClinGen allele CA1534814.

ClinVar aggregate classification (germline): Uncertain significance. Review status: criteria provided, multiple submitters, no conflicts (2 of 4 stars). 2 submissions from 2 submitters: Uncertain significance (2). Last evaluated 2024-10-30.

Conditions:
Inborn genetic diseases. Identifiers: MedGen C0950123, MeSH D030342.

Allele frequency attached by ClinVar (database versions not stated): TOPMed below 0.00001; gnomAD exomes 0.00004; ExAC 0.00006; gnomAD 0.00007.
gnomAD v4.1: 72 of 1,614,140 alleles (0.0045%); highest among the groups gnomAD compares: Middle Eastern, 0.016%; no homozygotes.

Submissions (2):

Labcorp Genetics (formerly Invitae), Labcorp
Classification: Uncertain significance. Last evaluated: 2024-10-30. Review status: criteria provided, single submitter. Criteria: Invitae Variant Classification Sherloc (09022015). Collection method: clinical testing. Allele origin: germline.
Comment: This sequence change replaces proline, which is neutral and non-polar, with leucine, which is neutral and non-polar, at codon 2310 of the NBAS protein (p.Pro2310Leu). This variant is present in population databases (rs775953115, gnomAD 0.05%). This variant has not been reported in the literature in individuals affected with NBAS-related conditions. ClinVar contains an entry for this variant (Variation ID: 2190403). Invitae Evidence Modeling of protein sequence and biophysical properties (such as structural, functional, and spatial information, amino acid conservation, physicochemical variation, residue mobility, and thermodynamic stability) has been performed for this missense variant. However, the output from this modeling did not meet the statistical confidence thresholds required to predict the impact of this variant on NBAS protein function. In summary, the available evidence is currently insufficient to determine the role of this variant in disease. Therefore, it has been classified as a Variant of Uncertain Significance.

Ambry Genetics
Classification: Uncertain significance for Inborn genetic diseases. Last evaluated: 2022-01-31. Review status: criteria provided, single submitter. Criteria: Ambry Variant Classification Scheme 2023. Collection method: clinical testing. Allele origin: germline.